The following is an entry in ClinVar:

NM_000379.4(XDH):c.33T>G (p.Asn11Lys)

Gene: XDH (xanthine dehydrogenase; minus strand). Cytogenetic location: 2p23.1.
Variant type: single nucleotide variant.
Coding change: c.33T>G on transcript NM_000379.4 (MANE Select); coding-DNA position 33, T replaced by G.
Protein change: p.Asn11Lys; replaces asparagine 11 with lysine.
Molecular consequence: missense variant.
Genome position (GRCh38, 1-based): chr2:31,414,634, A>C on the plus strand (T>G on the coding strand, the complement: XDH is on the minus strand). VCF-style: chr2-31414634-A-C. GRCh37 (hg19) VCF-style: chr2-31637500-A-C.
Other names: short protein forms N11K.
Identifiers: ClinVar variation 940658 (VCV000940658.8), dbSNP rs201779309, ClinGen allele CA1599825.

ClinVar aggregate classification (germline): Uncertain significance. Review status: criteria provided, multiple submitters, no conflicts (2 of 4 stars). 3 submissions from 3 submitters: Uncertain significance (3). Last evaluated 2025-11-03.

Conditions:
Xanthinuria type II. Also called: Xanthine dehydrogenase and aldehyde oxidase combined deficiency of; XDH and AOX dual deficiency. Identifiers: Orphanet 3467, Orphanet 93602, MedGen C1863688, MONDO:0011346, OMIM 603592.
Inborn genetic diseases. Identifiers: MedGen C0950123, MeSH D030342.
Hereditary xanthinuria type 1 (XAN1). Identifiers: Orphanet 3467, Orphanet 93601, MedGen C0268118, MONDO:0010209, OMIM 278300.

Allele frequency attached by ClinVar (database versions not stated): gnomAD 0.00006 and 0.00007; ExAC 0.00008; gnomAD exomes 0.00009 and 0.00014; TOPMed 0.00009; 1000 Genomes Project 30x 0.00016; 1000 Genomes Project 0.00020.
gnomAD v4.1: 215 of 1,614,126 alleles (0.013%); highest among the groups gnomAD compares: Non-Finnish European, 0.017%; no homozygotes.

Submissions (3):

Labcorp Genetics (formerly Invitae), Labcorp
Classification: Uncertain significance for Xanthinuria type II. Last evaluated: 2025-11-03. Review status: criteria provided, single submitter. Criteria: Invitae Variant Classification Sherloc (09022015). Collection method: clinical testing. Allele origin: germline.
Comment: This sequence change replaces asparagine, which is neutral and polar, with lysine, which is basic and polar, at codon 11 of the XDH protein (p.Asn11Lys). This variant is present in population databases (rs201779309, gnomAD 0.02%). This variant has not been reported in the literature in individuals affected with XDH-related conditions. ClinVar contains an entry for this variant (Variation ID: 940658). An algorithm developed to predict the effect of missense changes on protein structure and function (PolyPhen-2) suggests that this variant is likely to be disruptive. In summary, the available evidence is currently insufficient to determine the role of this variant in disease. Therefore, it has been classified as a Variant of Uncertain Significance.

Fulgent Genetics
Classification: Uncertain significance for Hereditary xanthinuria type 1. Last evaluated: 2024-02-06. Review status: criteria provided, single submitter. Criteria: ACMG Guidelines, 2015. Collection method: clinical testing. Allele origin: germline.

Ambry Genetics
Classification: Uncertain significance for Inborn genetic diseases. Last evaluated: 2022-11-03. Review status: criteria provided, single submitter. Criteria: Ambry Variant Classification Scheme 2023. Collection method: clinical testing. Allele origin: germline.